The following is an entry in ClinVar:

NM_031935.3(HMCN1):c.14428A>G (p.Met4810Val)

Gene: HMCN1 (hemicentin 1; plus strand). Cytogenetic location: 1q31.1.
Variant type: single nucleotide variant.
Coding change: c.14428A>G on transcript NM_031935.3 (MANE Select); coding-DNA position 14428, A replaced by G.
Protein change: p.Met4810Val; replaces methionine 4810 with valine.
Molecular consequence: missense variant.
Genome position (GRCh38, 1-based): chr1:186,145,564, A>G. VCF-style: chr1-186145564-A-G. GRCh37 (hg19) VCF-style: chr1-186114696-A-G.
Other names: short protein forms M4810V.
Identifiers: ClinVar variation 1912169 (VCV001912169.5), dbSNP rs1024643080, ClinGen allele CA33476991.

ClinVar aggregate classification (germline): Uncertain significance (1 of 4 stars; one submission).

Allele frequency attached by ClinVar (database versions not stated): TOPMed 0.00001; gnomAD exomes 0.00002.
gnomAD v4.1: 30 of 1,613,926 alleles (0.0019%); highest among the groups gnomAD compares: Admixed American, 0.01%; no homozygotes.

Submission:

Labcorp Genetics (formerly Invitae), Labcorp
Classification: Uncertain significance. Last evaluated: 2023-12-20. Review status: criteria provided, single submitter. Criteria: Invitae Variant Classification Sherloc (09022015). Collection method: clinical testing. Allele origin: germline.
Comment: This sequence change replaces methionine, which is neutral and non-polar, with valine, which is neutral and non-polar, at codon 4810 of the HMCN1 protein (p.Met4810Val). This variant is present in population databases (no rsID available, gnomAD 0.0009%). This variant has not been reported in the literature in individuals affected with HMCN1-related conditions. ClinVar contains an entry for this variant (Variation ID: 1912169). Algorithms developed to predict the effect of missense changes on protein structure and function output the following: SIFT: "Not Available"; PolyPhen-2: "Benign"; Align-GVGD: "Not Available". The valine amino acid residue is found in multiple mammalian species, which suggests that this missense change does not adversely affect protein function. In summary, the available evidence is currently insufficient to determine the role of this variant in disease. Therefore, it has been classified as a Variant of Uncertain Significance.